The following is an entry in ClinVar:

ClinVar aggregate classification (germline): Benign/Likely benign. Review status: criteria provided, multiple submitters, no conflicts (2 of 4 stars). 5 submissions from 5 submitters: Benign (1); Likely benign (4). Last evaluated 2026-01-19.

Conditions:
Inborn genetic diseases. Identifiers: MedGen C0950123, MeSH D030342.
Neurodevelopmental disorder with or without hyperkinetic movements and seizures, autosomal dominant. Also called: Intellectual disability, autosomal dominant 8. Identifiers: MedGen C3280282, MONDO:0013655, OMIM 614254.

Allele frequency attached by ClinVar (database versions not stated): ESP Exome Variant Server 0.00023; gnomAD 0.00025; 1000 Genomes Project 0.00040; 1000 Genomes Project 30x 0.00047; TOPMed 0.00052; ExAC 0.00114.
gnomAD v4.1: 1,272 of 1,599,020 alleles (0.08%); highest among the groups gnomAD compares: South Asian, 0.12%; 1 homozygote.

Submissions (5):

Labcorp Genetics (formerly Invitae), Labcorp
Classification: Benign for Neurodevelopmental disorder with or without hyperkinetic movements and seizures, autosomal dominant. Last evaluated: 2026-01-19. Review status: criteria provided, single submitter. Criteria: Invitae Variant Classification Sherloc (09022015). Collection method: clinical testing. Allele origin: germline.

CeGaT Center for Human Genetics Tuebingen
Classification: Likely benign. Last evaluated: 2025-11-01. Review status: criteria provided, single submitter. Criteria: CeGaT Center For Human Genetics Tuebingen Variant Classification Criteria Version 2. Collection method: clinical testing. Allele origin: germline. Affected: yes. Observed: 4 variant alleles.
Comment: GRIN1: BP4, BP7

Blueprint Genetics
Classification: Likely benign. Last evaluated: 2024-10-24. Review status: criteria provided, single submitter. Criteria: ACMG Guidelines, 2015. Collection method: clinical testing. Allele origin: germline.

GeneDx
Classification: Likely benign. Last evaluated: 2021-03-16. Review status: criteria provided, single submitter. Criteria: GeneDx Variant Classification Process June 2021. Collection method: clinical testing. Allele origin: germline. Affected: yes.

Ambry Genetics
Classification: Likely benign for Inborn genetic diseases. Last evaluated: 2016-05-03. Review status: criteria provided, single submitter. Criteria: Ambry Variant Classification Scheme 2023. Collection method: clinical testing. Allele origin: germline.

NM_007327.4(GRIN1):c.693A>C (p.Val231=)

Gene: GRIN1 (glutamate ionotropic receptor NMDA type subunit 1; plus strand). Cytogenetic location: 9q34.3.
Variant type: single nucleotide variant.
Coding change: c.693A>C on transcript NM_007327.4 (MANE Select); coding-DNA position 693, A replaced by C.
Protein change: p.Val231=; no amino-acid change (valine 231 retained).
Molecular consequence: synonymous variant.
Genome position (GRCh38, 1-based): chr9:137,156,690, A>C. VCF-style: chr9-137156690-A-C. GRCh37 (hg19) VCF-style: chr9-140051142-A-C.
Other names: c.693A>C, p.Val231= (NM_000832.7, NM_021569.4); c.756A>C, p.Val252= (NM_001185090.2, NM_001185091.2).
Identifiers: ClinVar variation 385654 (VCV000385654.43), dbSNP rs201818201, ClinGen allele CA5360742.
Genomic context (GRCh38, chr9:137,156,690, plus strand): 5'-TGCTGGAGTCCTGGCCCGTCATCCCCGTCTGCCCCACAGCGAGGACGATGCTGCCACTGT[A>C]TACCGCGCAGCCGCGATGCTGAACATGACGGGCTCCGGGTACGTGTGGCTGGTCGGCGAG-3'
Protein context (NP_015566.1, residues 221-241): LSASEDDAAT[Val231=]YRAAAMLNMT